The following is an entry in ClinVar:

NM_001363711.2(DUOX2):c.944-1G>A

Gene: DUOX2 (dual oxidase 2; minus strand). Cytogenetic location: 15q21.1.
Variant type: single nucleotide variant.
Coding change: c.944-1G>A on transcript NM_001363711.2 (MANE Select); the canonical splice acceptor site of the intron before coding-DNA position 944, G replaced by A.
Molecular consequence: splice acceptor variant.
Genome position (GRCh38, 1-based): chr15:45,110,525, C>T on the plus strand (G>A on the coding strand, the complement: DUOX2 is on the minus strand). VCF-style: chr15-45110525-C-T. GRCh37 (hg19) VCF-style: chr15-45402723-C-T.
Other names: c.944-1G>A (NM_014080.5).
Identifiers: ClinVar variation 1947178 (VCV001947178.5), dbSNP rs1239852850, ClinGen allele CA392278196.

ClinVar aggregate classification (germline): Likely pathogenic (1 of 4 stars; one submission).

Allele frequency attached by ClinVar (database versions not stated): gnomAD exomes below 0.00001; TOPMed below 0.00001.
gnomAD v4.1: 1 of 1,614,126 alleles (0.000062%); highest among the groups gnomAD compares: Admixed American, 0.0017%; no homozygotes.

Submission:

Labcorp Genetics (formerly Invitae), Labcorp
Classification: Likely pathogenic. Last evaluated: 2024-04-30. Review status: criteria provided, single submitter. Criteria: Invitae Variant Classification Sherloc (09022015). Collection method: clinical testing. Allele origin: germline.
Comment: This sequence change affects an acceptor splice site in intron 8 of the DUOX2 gene. It is expected to disrupt RNA splicing. Variants that disrupt the donor or acceptor splice site typically lead to a loss of protein function (PMID: 16199547), and loss-of-function variants in DUOX2 are known to be pathogenic (PMID: 12110737, 18765513, 21565790, 24423310, 24735383). This variant is present in population databases (no rsID available, gnomAD 0.003%). This variant has not been reported in the literature in individuals affected with DUOX2-related conditions. ClinVar contains an entry for this variant (Variation ID: 1947178). Algorithms developed to predict the effect of sequence changes on RNA splicing suggest that this variant may disrupt the consensus splice site. In summary, the currently available evidence indicates that the variant is pathogenic, but additional data are needed to prove that conclusively. Therefore, this variant has been classified as Likely Pathogenic.

Literature cited by the submitters: PubMed 16199547; PubMed 12110737; PubMed 18765513; PubMed 21565790; PubMed 24423310; PubMed 24735383.